The following is an entry in ClinVar:

NM_001080414.4(CCDC88C):c.3516dup (p.His1173fs)

Gene: CCDC88C (coiled-coil and HOOK domain protein 88C; minus strand). Cytogenetic location: 14q32.11.
Variant type: Duplication.
Coding change: c.3516dup on transcript NM_001080414.4 (MANE Select); coding-DNA position 3516, one base duplicated (G; older notation c.3516dupG).
Protein change: p.His1173fs; shifts the reading frame from histidine 1173.
Molecular consequence: frameshift variant. On other transcripts: non-coding transcript variant (2).
Genome position (GRCh38, 1-based): chr14:91,303,820, C duplicated on the plus strand (G on the coding strand, the reverse complement: CCDC88C is on the minus strand). VCF-style (leftmost placement, unchanged base first): chr14-91303819-G-GC. GRCh37 (hg19) VCF-style: chr14-91770163-G-GC.
Other names: short protein forms H1173fs.
Identifiers: ClinVar variation 5015608 (VCV005015608.1).

ClinVar aggregate classification (germline): Pathogenic (1 of 4 stars; one submission).

Conditions:
Hydrocephalus, nonsyndromic, autosomal recessive 1 (HYC1). Also called: Hydrocephalus, nonsyndromic, autosomal recessive; Congenital hydrocephalus 1. Identifiers: Orphanet 2185, MedGen C3887608, MONDO:0009360, OMIM 236600.

Submission:

Myriad Genetics, Inc.
Classification: Pathogenic for Hydrocephalus, nonsyndromic, autosomal recessive 1. Last evaluated: 2026-02-25. Review status: criteria provided, single submitter. Criteria: Myriad Autosomal Dominant, Autosomal Recessive and X-Linked Classification Criteria (2023). Collection method: clinical testing. Allele origin: unknown.
Comment: NM_001080414.3(CCDC88C):c.3516dupG(H1173Afs*43) is expected to be pathogenic in the context of congenital hydrocephalus, CCDC88C-related. This variant is predicted to lead to an abnormal or absent protein product due to the creation of a premature termination codon in CCDC88C, a gene where loss-of-function variants are known to be pathogenic. Please note: this variant was assessed in the context of healthy population screening.